The following is an entry in ClinVar:

ClinVar aggregate classification (germline): Likely benign (0 of 4 stars; one submission).

Conditions:
VCP-related disorder. Also called: VCP-related condition; VCP-related disorders.

Submission:

PreventionGenetics, part of Exact Sciences
Classification: Likely benign for VCP-related condition. Last evaluated: 2024-01-03. Review status: no assertion criteria provided. Collection method: clinical testing. Allele origin: germline.
Comment: This variant is classified as likely benign based on ACMG/AMP sequence variant interpretation guidelines (Richards et al. 2015 PMID: 25741868, with internal and published modifications).

NM_007126.5(VCP):c.1390C>T (p.Leu464=)

Gene: VCP (valosin containing protein; minus strand). Cytogenetic location: 9p13.3.
Variant type: single nucleotide variant.
Coding change: c.1390C>T on transcript NM_007126.5 (MANE Select); coding-DNA position 1390, C replaced by T.
Protein change: p.Leu464=; no amino-acid change (leucine 464 retained).
Molecular consequence: synonymous variant.
Genome position (GRCh38, 1-based): chr9:35,060,893, G>A on the plus strand (C>T on the coding strand, the complement: VCP is on the minus strand). VCF-style: chr9-35060893-G-A. GRCh37 (hg19) VCF-style: chr9-35060890-G-A.
Other names: c.1255C>T, p.Leu419= (NM_001354927.2, NM_001354928.2).
Identifiers: ClinVar variation 3350163 (VCV003350163.1).